The following is an entry in ClinVar:

NM_001377.3(DYNC2H1):c.2194G>A (p.Val732Ile)

Gene: DYNC2H1 (dynein cytoplasmic 2 heavy chain 1; plus strand). Cytogenetic location: 11q22.3.
Variant type: single nucleotide variant.
Coding change: c.2194G>A on transcript NM_001377.3 (MANE Select); coding-DNA position 2194, G replaced by A.
Protein change: p.Val732Ile; replaces valine 732 with isoleucine.
Molecular consequence: missense variant.
Genome position (GRCh38, 1-based): chr11:103,134,408, G>A. VCF-style: chr11-103134408-G-A. GRCh37 (hg19) VCF-style: chr11-103005137-G-A.
Other names: c.2194G>A, p.Val732Ile (NM_001080463.2); short protein forms V732I.
Identifiers: ClinVar variation 1318643 (VCV001318643.7), dbSNP rs370906388, ClinGen allele CA6252974.

ClinVar aggregate classification (germline): Conflicting classifications of pathogenicity. Review status: criteria provided, conflicting classifications (1 of 4 stars). 3 submissions from 3 submitters: Uncertain significance (2); Likely benign (1). Last evaluated 2026-01-30.

Conditions:
Inborn genetic diseases. Identifiers: MedGen C0950123, MeSH D030342.
Jeune thoracic dystrophy. Also called: Jeune syndrome; Infantile thoracic dystrophy; Thoracic pelvic phalangeal dystrophy; Jeune's syndrome; Chondroectodermal dysplasia-like syndrome; Short-rib thoracic dysplasia. Identifiers: Orphanet 474, MedGen C0265275, MONDO:0018770.

Allele frequency attached by ClinVar (database versions not stated): gnomAD exomes 0.00002 and 0.00004; ExAC 0.00004; gnomAD 0.00017 and 0.00019; TOPMed 0.00018; 1000 Genomes Project 0.00020; 1000 Genomes Project 30x 0.00031; ESP Exome Variant Server 0.00050.
gnomAD v4.1: 57 of 1,610,022 alleles (0.0035%); highest among the groups gnomAD compares: African/African-American, 0.068%; no homozygotes.

Submissions (3):

Labcorp Genetics (formerly Invitae), Labcorp
Classification: Likely benign for Jeune thoracic dystrophy. Last evaluated: 2026-01-30. Review status: criteria provided, single submitter. Criteria: Invitae Variant Classification Sherloc (09022015). Collection method: clinical testing. Allele origin: germline.

Ambry Genetics
Classification: Uncertain significance for Inborn genetic diseases. Last evaluated: 2025-05-28. Review status: criteria provided, single submitter. Criteria: Ambry Variant Classification Scheme 2023. Collection method: clinical testing. Allele origin: germline.

GeneDx
Classification: Uncertain significance. Last evaluated: 2019-08-02. Review status: criteria provided, single submitter. Criteria: GeneDx Variant Classification Process June 2021. Collection method: clinical testing. Allele origin: germline. Affected: yes.
Comment: In silico analysis, which includes protein predictors and evolutionary conservation, supports that this variant does not alter protein structure/function; Has not been previously published as pathogenic or benign to our knowledge